The following is an entry in ClinVar:

ClinVar aggregate classification (germline): Uncertain significance (1 of 4 stars; one submission).

Submission:

Labcorp Genetics (formerly Invitae), Labcorp
Classification: Uncertain significance. Last evaluated: 2025-06-24. Review status: criteria provided, single submitter. Criteria: Invitae Variant Classification Sherloc (09022015). Collection method: clinical testing. Allele origin: germline.
Comment: This sequence change replaces aspartic acid, which is acidic and polar, with tyrosine, which is neutral and polar, at codon 452 of the COL9A3 protein (p.Asp452Tyr). This variant is not present in population databases (gnomAD no frequency). This variant has not been reported in the literature in individuals affected with COL9A3-related conditions. Invitae Evidence Modeling of protein sequence and biophysical properties (such as structural, functional, and spatial information, amino acid conservation, physicochemical variation, residue mobility, and thermodynamic stability) indicates that this missense variant is not expected to disrupt COL9A3 protein function with a negative predictive value of 95%. In summary, the available evidence is currently insufficient to determine the role of this variant in disease. Therefore, it has been classified as a Variant of Uncertain Significance.

NM_001853.4(COL9A3):c.1354G>T (p.Asp452Tyr)

Gene: COL9A3 (collagen type IX alpha 3 chain; plus strand). Cytogenetic location: 20q13.33.
Variant type: single nucleotide variant.
Coding change: c.1354G>T on transcript NM_001853.4 (MANE Select); coding-DNA position 1354, G replaced by T.
Protein change: p.Asp452Tyr; replaces aspartic acid 452 with tyrosine.
Molecular consequence: missense variant.
Genome position (GRCh38, 1-based): chr20:62,833,050, G>T. VCF-style: chr20-62833050-G-T. GRCh37 (hg19) VCF-style: chr20-61464402-G-T.
Other names: short protein forms D452Y.
Identifiers: ClinVar variation 4803142 (VCV004803142.1).